The following is an entry in ClinVar:

NM_003982.4(SLC7A7):c.446C>T (p.Pro149Leu)

Gene: SLC7A7 (solute carrier family 7 member 7; minus strand). Cytogenetic location: 14q11.2.
Variant type: single nucleotide variant.
Coding change: c.446C>T on transcript NM_003982.4 (MANE Select); coding-DNA position 446, C replaced by T.
Protein change: p.Pro149Leu; replaces proline 149 with leucine.
Molecular consequence: missense variant.
Genome position (GRCh38, 1-based): chr14:22,812,953, G>A on the plus strand (C>T on the coding strand, the complement: SLC7A7 is on the minus strand). VCF-style: chr14-22812953-G-A. GRCh37 (hg19) VCF-style: chr14-23282162-G-A.
Other names: c.446C>T (NM_001126106.2); c.446C>T, p.Pro149Leu (NM_001126105.3, NM_001126106.4); short protein forms P149L.
Identifiers: ClinVar variation 991474 (VCV000991474.5), dbSNP rs796145994, ClinGen allele CA257714696.
Genomic context (GRCh38, chr14:22,812,953, plus strand): 5'-CACTTACAAATGCAGGCAGCAGCCAGCAGGCGGCTGGCAGCATAAGGGGCGAAGCAGCTC[G>A]GGAAGAGAGGCTGTACCATGTAGTTGGCAAAGGTGATGGCAATGATGGCCTGGCTGGTGG-3'
Protein context (NP_003973.3, residues 139-159): FANYMVQPLF[Pro149Leu]SCFAPYAASR

ClinVar aggregate classification (germline): Uncertain significance. Review status: criteria provided, multiple submitters, no conflicts (2 of 4 stars). 3 submissions from 3 submitters: Uncertain significance (2). 1 of the submissions does not count toward it. Last evaluated 2025-07-10.

Conditions:
Lysinuric protein intolerance (LPI). Identifiers: Orphanet 470, MedGen C0268647, MONDO:0009109, OMIM 222700.

gnomAD v4.1: 48 of 1,613,802 alleles (0.003%); highest among the groups gnomAD compares: Admixed American, 0.013%; no homozygotes.

Submissions (3):

Labcorp Genetics (formerly Invitae), Labcorp
Classification: Uncertain significance for Lysinuric protein intolerance. Last evaluated: 2025-07-10. Review status: criteria provided, single submitter. Criteria: Invitae Variant Classification Sherloc (09022015). Collection method: clinical testing. Allele origin: germline.
Comment: This sequence change replaces proline, which is neutral and non-polar, with leucine, which is neutral and non-polar, at codon 149 of the SLC7A7 protein (p.Pro149Leu). This variant is present in population databases (rs796145994, gnomAD 0.004%). This missense change has been observed in individual(s) with developmental disorder(s) (PMID: 33057194). ClinVar contains an entry for this variant (Variation ID: 991474). An algorithm developed to predict the effect of missense changes on protein structure and function (PolyPhen-2) suggests that this variant is likely to be tolerated. In summary, the available evidence is currently insufficient to determine the role of this variant in disease. Therefore, it has been classified as a Variant of Uncertain Significance.

Fulgent Genetics
Classification: Uncertain significance for Lysinuric protein intolerance. Last evaluated: 2024-03-25. Review status: criteria provided, single submitter. Criteria: ACMG Guidelines, 2015. Collection method: clinical testing. Allele origin: germline.

Natera, Inc.
Classification: Uncertain significance for Lysinuric protein intolerance. Last evaluated: 2020-04-17. Review status: no assertion criteria provided. Collection method: clinical testing. Allele origin: germline. Not counted in ClinVar's aggregate classification.

Literature cited by the submitters: PubMed 33057194 (cited by Labcorp Genetics (formerly Invitae), Labcorp).